The following is an entry in ClinVar:

ClinVar aggregate classification (germline): Benign. Review status: criteria provided, multiple submitters, no conflicts (2 of 4 stars). 11 submissions from 11 submitters: Benign (9). 2 of the submissions do not count toward it. Last evaluated 2026-02-04.

Conditions:
Cardiovascular phenotype. Identifiers: MedGen CN230736.
Episodic pain syndrome, familial, 2 (FEPS2). Identifiers: Orphanet 306577, MedGen C3809893, MONDO:0014246, OMIM 615551.
Brugada syndrome. Also called: Sudden unexpected nocturnal death syndrome; Sudden unexplained nocturnal death syndrome; Sudden Unexplained Death Syndrome; Sudden Unexplained Nocturnal Death Syndrome (SUNDS). Identifiers: Orphanet 130, MedGen C1142166, MONDO:0015263.

Allele frequency attached by ClinVar (database versions not stated): TOPMed 0.17768; 1000 Genomes Project 30x 0.18332; gnomAD 0.18899 and 0.19361; ESP Exome Variant Server 0.19007; 1000 Genomes Project 0.19050; gnomAD exomes 0.23258 and 0.24745; ExAC 0.23496.
gnomAD v4.1: 390,072 of 1,611,748 alleles (24%); highest among the groups gnomAD compares: East Asian, 42%; 50,463 homozygotes.

Submissions (11):

Labcorp Genetics (formerly Invitae), Labcorp
Classification: Benign for Brugada syndrome. Last evaluated: 2026-02-04. Review status: criteria provided, single submitter. Criteria: Invitae Variant Classification Sherloc (09022015). Collection method: clinical testing. Allele origin: germline.

Women's Health and Genetics/Laboratory Corporation of America, LabCorp
Classification: Benign. Last evaluated: 2023-04-09. Review status: criteria provided, single submitter. Criteria: LabCorp Variant Classification Summary - May 2015. Collection method: clinical testing. Allele origin: germline.

Genome-Nilou Lab
Classification: Benign for Episodic pain syndrome, familial, 2. Last evaluated: 2021-07-15. Review status: criteria provided, single submitter. Criteria: ACMG Guidelines, 2015. Collection method: clinical testing. Allele origin: germline. Affected: no.

Ambry Genetics
Classification: Benign for Cardiovascular phenotype. Last evaluated: 2018-12-21. Review status: criteria provided, single submitter. Criteria: Ambry Variant Classification Scheme 2023. Collection method: clinical testing. Allele origin: germline.

Mayo Clinic Laboratories, Mayo Clinic
Classification: Benign. Last evaluated: 2017-07-25. Review status: criteria provided, single submitter. Criteria: ACMG Guidelines, 2015. Collection method: clinical testing. Allele origin: germline. Observed: 609 variant alleles.

GeneDx
Classification: Benign. Last evaluated: 2016-09-23. Review status: criteria provided, single submitter. Criteria: GeneDx Variant Classification (06012015). Collection method: clinical testing. Allele origin: germline. Affected: yes.
Comment: This variant is considered likely benign or benign based on one or more of the following criteria: it is a conservative change, it occurs at a poorly conserved position in the protein, it is predicted to be benign by multiple in silico algorithms, and/or has population frequency not consistent with disease.

Molecular Diagnostic Laboratory for Inherited Cardiovascular Disease, Montreal Heart Institute
Classification: Benign. Last evaluated: 2016-06-10. Review status: criteria provided, single submitter. Criteria: ACMG Guidelines, 2015. Collection method: clinical testing. Allele origin: germline. Affected: yes.

Breakthrough Genomics
Classification: Benign. Review status: criteria provided, single submitter. Criteria: ACMG Guidelines, 2015. Collection method: not provided. Allele origin: germline. Inheritance: Autosomal dominant inheritance. Affected: yes.

PreventionGenetics, part of Exact Sciences
Classification: Benign. Review status: criteria provided, single submitter. Criteria: ACMG Guidelines, 2015. Collection method: clinical testing. Allele origin: germline.

Clinical Genetics, Academic Medical Center
Classification: Benign. Review status: no assertion criteria provided. Collection method: clinical testing. Allele origin: germline. Affected: yes. Study: VKGL Data-share Consensus. Not counted in ClinVar's aggregate classification.

Joint Genome Diagnostic Labs from Nijmegen and Maastricht, Radboudumc and MUMC+
Classification: Benign. Review status: no assertion criteria provided. Collection method: clinical testing. Allele origin: germline. Affected: yes. Study: VKGL Data-share Consensus. Not counted in ClinVar's aggregate classification.

NM_006514.4(SCN10A):c.2937C>T (p.Gly979=)

Genes: SCN10A (sodium voltage-gated channel alpha subunit 10; minus strand), LOC110121288 (VISTA enhancer hs2268; plus strand). Cytogenetic location: 3p22.2.
Variant type: single nucleotide variant.
Coding change: c.2937C>T on transcript NM_006514.4 (MANE Select); coding-DNA position 2937, C replaced by T.
Protein change: p.Gly979=; no amino-acid change (glycine 979 retained).
Molecular consequence: synonymous variant.
Genome position (GRCh38, 1-based): chr3:38,726,756, G>A on the plus strand (C>T on the coding strand, the complement: SCN10A is on the minus strand). VCF-style: chr3-38726756-G-A. GRCh37 (hg19) VCF-style: chr3-38768247-G-A.
Other names: p.Gly979=; c.2937C>T, p.Gly979= (NM_001293306.2); c.2643C>T, p.Gly881= (NM_001293307.2).
Identifiers: ClinVar variation 259994 (VCV000259994.22), dbSNP rs59468016, ClinGen allele CA2320398.